The following is an entry in ClinVar:

ClinVar aggregate classification (germline): Uncertain significance. Review status: criteria provided, multiple submitters, no conflicts (2 of 4 stars). 3 submissions from 3 submitters: Uncertain significance (3). Last evaluated 2025-12-27.

Conditions:
Charcot-Marie-Tooth disease type 2. Also called: Charcot-Marie-Tooth type 2. Identifiers: Orphanet 64746, MedGen C0270914, MONDO:0018993.
Inborn genetic diseases. Identifiers: MedGen C0950123, MeSH D030342.

Allele frequency attached by ClinVar (database versions not stated): gnomAD 0.00001; gnomAD exomes 0.00001; TOPMed 0.00001; ExAC 0.00003.

Submissions (3):

Labcorp Genetics (formerly Invitae), Labcorp
Classification: Uncertain significance for Charcot-Marie-Tooth disease type 2. Last evaluated: 2025-12-27. Review status: criteria provided, single submitter. Criteria: Invitae Variant Classification Sherloc (09022015). Collection method: clinical testing. Allele origin: germline.
Comment: This sequence change replaces arginine, which is basic and polar, with glutamine, which is neutral and polar, at codon 598 of the AARS protein (p.Arg598Gln). This variant is present in population databases (rs765106728, gnomAD 0.004%). This variant has not been reported in the literature in individuals affected with AARS-related conditions. ClinVar contains an entry for this variant (Variation ID: 2540689). Invitae Evidence Modeling of protein sequence and biophysical properties (such as structural, functional, and spatial information, amino acid conservation, physicochemical variation, residue mobility, and thermodynamic stability) has been performed for this missense variant. However, the output from this modeling did not meet the statistical confidence thresholds required to predict the impact of this variant on AARS protein function. In summary, the available evidence is currently insufficient to determine the role of this variant in disease. Therefore, it has been classified as a Variant of Uncertain Significance.

CeGaT Center for Human Genetics Tuebingen
Classification: Uncertain significance. Last evaluated: 2023-05-01. Review status: criteria provided, single submitter. Criteria: CeGaT Center For Human Genetics Tuebingen Variant Classification Criteria Version 2. Collection method: clinical testing. Allele origin: germline. Affected: yes. Observed: 1 variant allele.
Comment: AARS1: PM2

Ambry Genetics
Classification: Uncertain significance for Inborn genetic diseases. Last evaluated: 2023-04-25. Review status: criteria provided, single submitter. Criteria: Ambry Variant Classification Scheme 2023. Collection method: clinical testing. Allele origin: germline.

NM_001605.3(AARS1):c.1793G>A (p.Arg598Gln)

Gene: AARS1 (alanyl-tRNA synthetase 1; minus strand). Cytogenetic location: 16q22.1.
Variant type: single nucleotide variant.
Coding change: c.1793G>A on transcript NM_001605.3 (MANE Select); coding-DNA position 1793, G replaced by A.
Protein change: p.Arg598Gln; replaces arginine 598 with glutamine.
Molecular consequence: missense variant.
Genome position (GRCh38, 1-based): chr16:70,259,179, C>T on the plus strand (G>A on the coding strand, the complement: AARS1 is on the minus strand). VCF-style: chr16-70259179-C-T. GRCh37 (hg19) VCF-style: chr16-70293082-C-T.
Other names: short protein forms R598Q.
Identifiers: ClinVar variation 2540689 (VCV002540689.32), dbSNP rs765106728, ClinGen allele CA8140661.